The following is an entry in ClinVar:

NM_006059.4(LAMC3):c.543C>T (p.Pro181=)

Gene: LAMC3 (laminin subunit gamma 3; plus strand). Cytogenetic location: 9q34.12.
Variant type: single nucleotide variant.
Coding change: c.543C>T on transcript NM_006059.4 (MANE Select); coding-DNA position 543, C replaced by T.
Protein change: p.Pro181=; no amino-acid change (proline 181 retained).
Molecular consequence: synonymous variant.
Genome position (GRCh38, 1-based): chr9:131,026,454, C>T. VCF-style: chr9-131026454-C-T. GRCh37 (hg19) VCF-style: chr9-133901841-C-T.
Identifiers: ClinVar variation 1668145 (VCV001668145.17), dbSNP rs777910793, ClinGen allele CA5286725.

ClinVar aggregate classification (germline): Likely benign. Review status: criteria provided, multiple submitters, no conflicts (2 of 4 stars). 3 submissions from 3 submitters: Likely benign (3). Last evaluated 2025-07-01.

Allele frequency attached by ClinVar (database versions not stated): gnomAD 0.00002 and 0.00004; TOPMed 0.00003; ExAC 0.00004; gnomAD exomes 0.00004.
gnomAD v4.1: 67 of 1,613,480 alleles (0.0042%); highest among the groups gnomAD compares: South Asian, 0.031%; no homozygotes.

Submissions (3):

CeGaT Center for Human Genetics Tuebingen
Classification: Likely benign. Last evaluated: 2025-07-01. Review status: criteria provided, single submitter. Criteria: CeGaT Center For Human Genetics Tuebingen Variant Classification Criteria Version 2. Collection method: clinical testing. Allele origin: germline. Affected: yes. Observed: 1 variant allele.
Comment: LAMC3: BP4, BP7

Labcorp Genetics (formerly Invitae), Labcorp
Classification: Likely benign. Last evaluated: 2025-01-17. Review status: criteria provided, single submitter. Criteria: Invitae Variant Classification Sherloc (09022015). Collection method: clinical testing. Allele origin: germline.

Blueprint Genetics
Classification: Likely benign. Last evaluated: 2024-08-12. Review status: criteria provided, single submitter. Criteria: ACMG Guidelines, 2015. Collection method: clinical testing. Allele origin: germline.